The following is an entry in ClinVar:

NM_014009.4(FOXP3):c.499C>A (p.Leu167Met)

Gene: FOXP3 (forkhead box P3; minus strand). Cytogenetic location: Xp11.23.
Variant type: single nucleotide variant.
Coding change: c.499C>A on transcript NM_014009.4 (MANE Select); coding-DNA position 499, C replaced by A.
Protein change: p.Leu167Met; replaces leucine 167 with methionine.
Molecular consequence: missense variant.
Genome position (GRCh38, 1-based): chrX:49,256,968, G>T on the plus strand (C>A on the coding strand, the complement: FOXP3 is on the minus strand). VCF-style: chrX-49256968-G-T. GRCh37 (hg19) VCF-style: chrX-49113425-G-T.
Other names: c.394C>A, p.Leu132Met (NM_001114377.2); short protein forms L167M, L132M.
Identifiers: ClinVar variation 2127491 (VCV002127491.4), dbSNP rs2519194338, ClinGen allele CA412952473.
Genomic context (GRCh38, chrX:49,256,968, plus strand): 5'-CAGCCCTGTCCACTGACCTGTCCTTCCTGGGTGCACTGGGATTTGGGAAGGTGCAGAGCA[G>T]TGCCGGCTCCCTGGACACCCATTCCAGGCTGGCCACGTTGATCCCTGTGGGTGGGGACAG-3'
Protein context (NP_054728.2, residues 157-177): SLEWVSREPA[Leu167Met]LCTFPNPSAP

ClinVar aggregate classification (germline): Uncertain significance (1 of 4 stars; one submission).

Conditions:
Insulin-dependent diabetes mellitus secretory diarrhea syndrome (IPEX). Also called: DIABETES MELLITUS, CONGENITAL INSULIN-DEPENDENT, WITH FATAL SECRETORY DIARRHEA; DIARRHEA, POLYENDOCRINOPATHY, FATAL INFECTION SYNDROME, X-LINKED; ENTEROPATHY, AUTOIMMUNE, WITH HEMOLYTIC ANEMIA AND POLYENDOCRINOPATHY; X-Linked Autoimmunity-Allergic Dysregulation Syndrome; Immune dysregulation-polyendocrinopathy-enteropathy-X-linked syndrome; Immunodysregulation, polyendocrinopathy, and enteropathy, X-linked. Identifiers: Orphanet 37042, MedGen C0342288, MONDO:0010580, OMIM 304790. Disease mechanism: loss of function.

Submission:

Labcorp Genetics (formerly Invitae), Labcorp
Classification: Uncertain significance for Insulin-dependent diabetes mellitus secretory diarrhea syndrome. Last evaluated: 2024-11-11. Review status: criteria provided, single submitter. Criteria: Invitae Variant Classification Sherloc (09022015). Collection method: clinical testing. Allele origin: germline.
Comment: This sequence change replaces leucine, which is neutral and non-polar, with methionine, which is neutral and non-polar, at codon 167 of the FOXP3 protein (p.Leu167Met). This variant is not present in population databases (gnomAD no frequency). This variant has not been reported in the literature in individuals affected with FOXP3-related conditions. ClinVar contains an entry for this variant (Variation ID: 2127491). Invitae Evidence Modeling of protein sequence and biophysical properties (such as structural, functional, and spatial information, amino acid conservation, physicochemical variation, residue mobility, and thermodynamic stability) indicates that this missense variant is not expected to disrupt FOXP3 protein function with a negative predictive value of 80%. In summary, the available evidence is currently insufficient to determine the role of this variant in disease. Therefore, it has been classified as a Variant of Uncertain Significance.